The following is an entry in ClinVar:

ClinVar aggregate classification (germline): Uncertain significance. Review status: criteria provided, multiple submitters, no conflicts (2 of 4 stars). 2 submissions from 2 submitters: Uncertain significance (2). Last evaluated 2025-10-02.

Conditions:
Hereditary cancer-predisposing syndrome. Also called: Neoplastic Syndromes, Hereditary; Hereditary Cancer Syndrome; Hereditary neoplastic syndrome; Tumor predisposition. Identifiers: Orphanet 140162, MedGen C0027672, MeSH D009386, MONDO:0015356.
EGFR-related lung cancer (EGFR). Identifiers: MedGen CN130014.

Allele frequency attached by ClinVar (database versions not stated): gnomAD 0.00002; TOPMed 0.00002.
gnomAD v4.1: 3 of 1,613,894 alleles (0.00019%); highest among the groups gnomAD compares: African/African-American, 0.004%; no homozygotes.

Submissions (3):

Labcorp Genetics (formerly Invitae), Labcorp
Classification: Uncertain significance for EGFR-related lung cancer. Last evaluated: 2025-10-02. Review status: criteria provided, single submitter. Criteria: Invitae Variant Classification Sherloc (09022015). Collection method: clinical testing. Allele origin: germline.
Comment: This sequence change replaces tyrosine, which is neutral and polar, with cysteine, which is neutral and slightly polar, at codon 316 of the EGFR protein (p.Tyr316Cys). This variant is present in population databases (no rsID available, gnomAD 0.01%). This variant has not been reported in the literature in individuals affected with EGFR-related conditions. ClinVar contains an entry for this variant (Variation ID: 1435563). Invitae Evidence Modeling of protein sequence and biophysical properties (such as structural, functional, and spatial information, amino acid conservation, physicochemical variation, residue mobility, and thermodynamic stability) indicates that this missense variant is not expected to disrupt EGFR protein function with a negative predictive value of 80%. In summary, the available evidence is currently insufficient to determine the role of this variant in disease. Therefore, it has been classified as a Variant of Uncertain Significance.

Ambry Genetics
Classification: Uncertain significance for Hereditary cancer-predisposing syndrome. Last evaluated: 2025-06-18. Review status: criteria provided, single submitter. Criteria: Ambry Variant Classification Scheme 2023. Collection method: clinical testing. Allele origin: germline.
Comment: The p.Y316C variant (also known as c.947A>G), located in coding exon 8 of the EGFR gene, results from an A to G substitution at nucleotide position 947. The tyrosine at codon 316 is replaced by cysteine, an amino acid with highly dissimilar properties. This amino acid position is conserved. In addition, the in silico prediction for this alteration is inconclusive. Based on the available evidence, the clinical significance of this variant remains unclear.

Dr. Peter K. Rogan Lab, Western University
No classification provided (evidence only). Condition: Ovarian serous cystadenocarcinoma. Review status: no classification provided. Collection method: in vitro. Allele origin: not applicable. Functional consequence: retained intron. Not counted in ClinVar's aggregate classification.

NM_005228.5(EGFR):c.947A>G (p.Tyr316Cys)

Gene: EGFR (epidermal growth factor receptor; plus strand). Cytogenetic location: 7p11.2.
Variant type: single nucleotide variant.
Coding change: c.947A>G on transcript NM_005228.5 (MANE Select); coding-DNA position 947, A replaced by G.
Protein change: p.Tyr316Cys; replaces tyrosine 316 with cysteine.
Molecular consequence: missense variant.
Genome position (GRCh38, 1-based): chr7:55,155,887, A>G. VCF-style: chr7-55155887-A-G. GRCh37 (hg19) VCF-style: chr7-55223580-A-G.
Other names: c.812A>G, p.Tyr271Cys (NM_001346897.2, NM_001346899.2); c.947A>G, p.Tyr316Cys (NM_001346898.2, NM_201282.2, NM_201283.2 and 1 more transcripts); c.788A>G, p.Tyr263Cys (NM_001346900.2); c.146A>G, p.Tyr49Cys (NM_001346941.2); c.947A>G (NM_005228.3); short protein forms Y263C, Y316C, Y271C, Y49C.
Identifiers: ClinVar variation 1435563 (VCV001435563.10), dbSNP rs1484032303, ClinGen allele CA367578036.
Genomic context (GRCh38, chr7:55,155,887, plus strand): 5'-CAGGTAATTATGTGGTGACAGATCACGGCTCGTGCGTCCGAGCCTGTGGGGCCGACAGCT[A>G]TGAGATGGAGGAAGACGGCGTCCGCAAGTGTAAGAAGTGCGAAGGGCCTTGCCGCAAAGG-3'
Protein context (NP_005219.2, residues 306-326): SCVRACGADS[Tyr316Cys]EMEEDGVRKC